The following is an entry in ClinVar:

ClinVar aggregate classification (germline): Uncertain significance (1 of 4 stars; one submission).

gnomAD v4.1: 5 of 1,609,590 alleles (0.00031%); highest among the groups gnomAD compares: Admixed American, 0.0017%; no homozygotes.

Submission:

Labcorp Genetics (formerly Invitae), Labcorp
Classification: Uncertain significance. Last evaluated: 2024-12-07. Review status: criteria provided, single submitter. Criteria: Invitae Variant Classification Sherloc (09022015). Collection method: clinical testing. Allele origin: germline.
Comment: This sequence change replaces aspartic acid, which is acidic and polar, with alanine, which is neutral and non-polar, at codon 710 of the PACS2 protein (p.Asp710Ala). This variant is present in population databases (no rsID available, gnomAD 0.003%). This variant has not been reported in the literature in individuals affected with PACS2-related conditions. Invitae Evidence Modeling of protein sequence and biophysical properties (such as structural, functional, and spatial information, amino acid conservation, physicochemical variation, residue mobility, and thermodynamic stability) indicates that this missense variant is not expected to disrupt PACS2 protein function with a negative predictive value of 80%. In summary, the available evidence is currently insufficient to determine the role of this variant in disease. Therefore, it has been classified as a Variant of Uncertain Significance.

NM_001100913.3(PACS2):c.2129A>C (p.Asp710Ala)

Gene: PACS2 (phosphofurin acidic cluster sorting protein 2; plus strand). Cytogenetic location: 14q32.33.
Variant type: single nucleotide variant.
Coding change: c.2129A>C on transcript NM_001100913.3 (MANE Select); coding-DNA position 2129, A replaced by C.
Protein change: p.Asp710Ala; replaces aspartic acid 710 with alanine.
Molecular consequence: missense variant.
Genome position (GRCh38, 1-based): chr14:105,391,640, A>C. VCF-style: chr14-105391640-A-C. GRCh37 (hg19) VCF-style: chr14-105857977-A-C.
Other names: c.1859A>C, p.Asp620Ala (NM_001243127.3); c.2084A>C, p.Asp695Ala (NM_015197.4); short protein forms D620A, D695A, D710A.
Identifiers: ClinVar variation 3619342 (VCV003619342.2).
Genomic context (GRCh38, chr14:105,391,640, plus strand): 5'-CCGGGCAGAGCAGCAGGTGGGCTCAGCCTGCCCTGTGACTCCTCCCCAAAGGCGACTCGG[A>C]CGACGCGGCCCCCTCGGGCTCTGGCACGCTCTCCTCCACCCCGCCGTCCGCATCTCCTGC-3'
Protein context (NP_001094383.2, residues 700-720): EPSSATSGDS[Asp710Ala]DAAPSGSGTL